The following is an entry in ClinVar:

ClinVar aggregate classification (germline): Likely benign. Review status: criteria provided, single submitter (1 of 4 stars). 2 submissions from 2 submitters: Likely benign (1). 1 of the submissions does not count toward it. Last evaluated 2018-05-16.

Conditions:
ADCY6-related disorder. Also called: ADCY6-related condition.

Allele frequency attached by ClinVar (database versions not stated): gnomAD 0.00003; TOPMed 0.00006; 1000 Genomes Project 30x 0.00016; 1000 Genomes Project 0.00020.
gnomAD v4.1: 195 of 1,613,648 alleles (0.012%); highest among the groups gnomAD compares: South Asian, 0.029%; 1 homozygote.

Submissions (2):

Labcorp Genetics (formerly Invitae), Labcorp
Classification: Likely benign. Last evaluated: 2018-05-16. Review status: criteria provided, single submitter. Criteria: Invitae Variant Classification Sherloc (09022015). Collection method: clinical testing. Allele origin: germline.

PreventionGenetics, part of Exact Sciences
Classification: Likely benign for ADCY6-related condition. Last evaluated: 2019-04-16. Review status: no assertion criteria provided. Collection method: clinical testing. Allele origin: germline. Not counted in ClinVar's aggregate classification.
Comment: This variant is classified as likely benign based on ACMG/AMP sequence variant interpretation guidelines (Richards et al. 2015 PMID: 25741868, with internal and published modifications).

NM_015270.5(ADCY6):c.1678-6G>A

Gene: ADCY6 (adenylate cyclase 6; minus strand). Cytogenetic location: 12q13.12.
Variant type: single nucleotide variant.
Coding change: c.1678-6G>A on transcript NM_015270.5 (MANE Select); 6 bases into the intron before coding-DNA position 1678, G replaced by A.
Molecular consequence: intron variant.
Genome position (GRCh38, 1-based): chr12:48,776,097, C>T on the plus strand (G>A on the coding strand, the complement: ADCY6 is on the minus strand). VCF-style: chr12-48776097-C-T. GRCh37 (hg19) VCF-style: chr12-49169880-C-T.
Identifiers: ClinVar variation 745729 (VCV000745729.5), dbSNP rs547924399, ClinGen allele CA6541225.